The following is an entry in ClinVar:

NM_001009944.3(PKD1):c.2801_2819del (p.Gly934fs)

Gene: PKD1 (polycystin 1, transient receptor potential channel interacting; minus strand). Cytogenetic location: 16p13.3.
Variant type: Deletion.
Coding change: c.2801_2819del on transcript NM_001009944.3 (MANE Select); coding-DNA positions 2801 to 2819, 19 bases deleted (GCCTCCGCGCCACGCCCAG).
Protein change: p.Gly934fs; shifts the reading frame from glycine 934.
Molecular consequence: frameshift variant.
Genome position (GRCh38, 1-based): chr16:2,114,204-2,114,222, CTGGGCGTGGCGCGGAGGC deleted on the plus strand (GCCTCCGCGCCACGCCCAG on the coding strand, the reverse complement: PKD1 is on the minus strand); deleting any 19 consecutive bases within chr16:2,114,204-2,114,223 gives the same sequence; the c. name uses the placement nearest the transcript's 3' end. VCF-style (leftmost placement, unchanged base first): chr16-2114203-GCTGGGCGTGGCGCGGAGGC-G. GRCh37 (hg19) VCF-style: chr16-2164204-GCTGGGCGTGGCGCGGAGGC-G.
Other names: c.2801_2819del, p.Gly934fs (NM_000296.4); c.2801_2819del19 (NM_001009944.2); short protein forms G934fs.
Identifiers: ClinVar variation 4998961 (VCV004998961.1).

ClinVar aggregate classification (germline): Pathogenic (1 of 4 stars; one submission).

Conditions:
PKD1-related disorder. Also called: PKD1-related condition.

Submission:

PreventionGenetics, part of Exact Sciences
Classification: Pathogenic for PKD1-related condition. Last evaluated: 2026-01-05. Review status: criteria provided, single submitter. Criteria: ACMG Guidelines, 2015. Collection method: clinical testing. Allele origin: germline.
Comment: The PKD1 c.2801_2819del19 variant is predicted to result in a frameshift and premature protein termination (p.Gly934Alafs*11). To our knowledge, this variant has not been reported in the literature or in a large population database (gnomAD), indicating this variant is rare. Frameshift variants in PKD1 are expected to be pathogenic. This variant is interpreted as pathogenic.